The following is an entry in ClinVar:

NC_000016.9:g.(?_8829577)_(10274288_?)dup

Genes: ABAT (4-aminobutyrate aminotransferase; plus strand), CARHSP1 (calcium regulated heat stable protein 1; minus strand), GRIN2A (glutamate ionotropic receptor NMDA type subunit 2A; minus strand), HAPSTR1 (HUWE1 associated protein modifying stress responses; plus strand), PMM2 (phosphomannomutase 2; plus strand) and 2 more. Cytogenetic location: 16p13.2.
Variant type: Duplication.
Identifiers: ClinVar variation 1003189 (VCV001003189.1).

ClinVar aggregate classification (germline): Uncertain significance (1 of 4 stars; one submission).

Conditions:
Landau-Kleffner syndrome (FESD). Also called: APHASIA, ACQUIRED, WITH EPILEPSY; EPILEPSY, FOCAL, WITH SPEECH DISORDER AND WITH OR WITHOUT MENTAL RETARDATION. Identifiers: Orphanet 1945, Orphanet 725, Orphanet 98818, MedGen C0282512, MONDO:0009509, OMIM 245570.

Submission:

Labcorp Genetics (formerly Invitae), Labcorp
Classification: Uncertain significance for Landau-Kleffner syndrome. Last evaluated: 2019-08-12. Review status: criteria provided, single submitter. Criteria: Invitae Variant Classification Sherloc (09022015). Collection method: clinical testing. Allele origin: germline.
Comment: This variant results in a copy number gain of the genomic region encompassing the full coding sequence of the GRIN2A gene. The boundaries of this event are unknown as they extend beyond the assayed region for this gene and therefore may encompass additional genes. As the precise location of this event is unknown, it may be in tandem or it may be located elsewhere in the genome. This variant has not been reported in the literature in individuals with GRIN2A-related conditions. In summary, the available evidence is currently insufficient to determine the role of this variant in disease. Therefore, it has been classified as a Variant of Uncertain Significance.